The following is an entry in ClinVar:

ClinVar aggregate classification (germline): Uncertain significance. Review status: criteria provided, multiple submitters, no conflicts (2 of 4 stars). 2 submissions from 2 submitters: Uncertain significance (2). Last evaluated 2025-11-01.

Conditions:
Hereditary cancer-predisposing syndrome. Also called: Tumor predisposition; Neoplastic Syndromes, Hereditary; Hereditary neoplastic syndrome; Hereditary Cancer Syndrome. Identifiers: Orphanet 140162, MedGen C0027672, MeSH D009386, MONDO:0015356.
MITF-related disorder. Also called: MITF-related condition.

Allele frequency attached by ClinVar (database versions not stated): gnomAD exomes below 0.00001; TOPMed below 0.00001.
gnomAD v4.1: 1 of 1,613,218 alleles (0.000062%); no homozygotes.

Submissions (2):

Ambry Genetics
Classification: Uncertain significance for Hereditary cancer-predisposing syndrome. Last evaluated: 2025-11-01. Review status: criteria provided, single submitter. Criteria: Ambry Variant Classification Scheme 2023. Collection method: clinical testing. Allele origin: germline.
Comment: The p.H9Q variant (also known as c.27C>G), located in coding exon 1 of the MITF gene, results from a C to G substitution at nucleotide position 27. The histidine at codon 9 is replaced by glutamine, an amino acid with highly similar properties. This amino acid position is conserved. In addition, this alteration is predicted to be tolerated by in silico analysis. Based on the available evidence, the clinical significance of this variant remains unclear.

PreventionGenetics, part of Exact Sciences
Classification: Uncertain significance for MITF-related condition. Last evaluated: 2023-08-07. Review status: criteria provided, single submitter. Criteria: ACMG Guidelines, 2015. Collection method: clinical testing. Allele origin: germline.
Comment: The MITF c.27C>G variant is predicted to result in the amino acid substitution p.His9Gln. To our knowledge, this variant has not been reported in the literature or in a large population database, indicating this variant is rare. At this time, the clinical significance of this variant is uncertain due to the absence of conclusive functional and genetic evidence.

NM_000248.4(MITF):c.27C>G (p.His9Gln)

Gene: MITF (melanocyte inducing transcription factor; plus strand). Cytogenetic location: 3p13.
Variant type: single nucleotide variant.
Coding change: c.27C>G on transcript NM_000248.4 (MANE Plus Clinical); coding-DNA position 27, C replaced by G.
Protein change: p.His9Gln; replaces histidine 9 with glutamine.
Molecular consequence: missense variant. On other transcripts: intron variant (9).
Genome position (GRCh38, 1-based): chr3:69,936,749, C>G. VCF-style: chr3-69936749-C-G. GRCh37 (hg19) VCF-style: chr3-69985900-C-G.
Other names: c.27C>G, p.His9Gln (NM_001184968.2, NM_198158.3, NM_198178.3); c.304-1073C>G (NM_001354607.2); c.199-1073C>G (NM_001354608.2, NM_001184967.2); c.355-1073C>G (NM_001354604.2, NM_198159.3); c.352-1073C>G (NM_001354605.2, NM_001354606.2, NM_006722.3); c.307-1073C>G (NM_198177.3); short protein forms H9Q.
Identifiers: ClinVar variation 2631739 (VCV002631739.2), dbSNP rs2065844754, ClinGen allele CA353560216.